The following is an entry in ClinVar:

NM_004370.6(COL12A1):c.6011T>C (p.Leu2004Pro)

Gene: COL12A1 (collagen type XII alpha 1 chain; minus strand). Cytogenetic location: 6q13.
Variant type: single nucleotide variant.
Coding change: c.6011T>C on transcript NM_004370.6 (MANE Select); coding-DNA position 6011, T replaced by C.
Protein change: p.Leu2004Pro; replaces leucine 2004 with proline.
Molecular consequence: missense variant.
Genome position (GRCh38, 1-based): chr6:75,130,908, A>G on the plus strand (T>C on the coding strand, the complement: COL12A1 is on the minus strand). VCF-style: chr6-75130908-A-G. GRCh37 (hg19) VCF-style: chr6-75840624-A-G.
Other names: c.6011T>C (NM_004370.5); c.2519T>C, p.Leu840Pro (NM_080645.3); short protein forms L2004P, L840P.
Identifiers: ClinVar variation 1003686 (VCV001003686.11), dbSNP rs1023244422, ClinGen allele CA140987487.
Genomic context (GRCh38, chr6:75,130,908, plus strand): 5'-TCACGCGTTCGGCCCTGGGCAGGGCTGGGATTTCCCTCTCCATCCGAGTACAGAGCCACA[A>G]GGTTCACGGAATAGAGTGTGTCCGGAATCAGCCGCTCCAGATGCACCATGCGCGTGTTTC-3'
Protein context (NP_004361.3, residues 1994-2014): LIPDTLYSVN[Leu2004Pro]VALYSDGEGN

ClinVar aggregate classification (germline): Uncertain significance. Review status: criteria provided, multiple submitters, no conflicts (2 of 4 stars). 2 submissions from 2 submitters: Uncertain significance (2). Last evaluated 2025-10-06.

Conditions:
Ullrich congenital muscular dystrophy 2 (UCMD2). Identifiers: Orphanet 75840, MedGen C4225314, MONDO:0014654, OMIM 616470.
Bethlem myopathy 2 (BTHLM2). Identifiers: Orphanet 536516, Orphanet 610, MedGen C4225313, MONDO:0034022, OMIM 616471.

Allele frequency attached by ClinVar (database versions not stated): gnomAD exomes 0.00001 and below 0.00001; gnomAD 0.00001; TOPMed 0.00001.
gnomAD v4.1: 14 of 1,613,974 alleles (0.00087%); highest among the groups gnomAD compares: Non-Finnish European, 0.0012%; no homozygotes.

Submissions (2):

Labcorp Genetics (formerly Invitae), Labcorp
Classification: Uncertain significance for Bethlem myopathy 2; Ullrich congenital muscular dystrophy 2. Last evaluated: 2025-10-06. Review status: criteria provided, single submitter. Criteria: Invitae Variant Classification Sherloc (09022015). Collection method: clinical testing. Allele origin: germline.
Comment: This sequence change replaces leucine, which is neutral and non-polar, with proline, which is neutral and non-polar, at codon 2004 of the COL12A1 protein (p.Leu2004Pro). This variant is present in population databases (no rsID available, gnomAD 0.0009%). This variant has not been reported in the literature in individuals affected with COL12A1-related conditions. ClinVar contains an entry for this variant (Variation ID: 1003686). Invitae Evidence Modeling of protein sequence and biophysical properties (such as structural, functional, and spatial information, amino acid conservation, physicochemical variation, residue mobility, and thermodynamic stability) indicates that this missense variant is not expected to disrupt COL12A1 protein function with a negative predictive value of 80%. In summary, the available evidence is currently insufficient to determine the role of this variant in disease. Therefore, it has been classified as a Variant of Uncertain Significance.

Revvity Omics, Revvity
Classification: Uncertain significance. Last evaluated: 2020-03-13. Review status: criteria provided, single submitter. Criteria: ACMG Guidelines, 2015. Collection method: clinical testing. Allele origin: germline.